The following is an entry in ClinVar:

NM_033100.4(CDHR1):c.106A>G (p.Asn36Asp)

Gene: CDHR1 (cadherin related family member 1; plus strand). Cytogenetic location: 10q23.1.
Variant type: single nucleotide variant.
Coding change: c.106A>G on transcript NM_033100.4 (MANE Select); coding-DNA position 106, A replaced by G.
Protein change: p.Asn36Asp; replaces asparagine 36 with aspartic acid.
Molecular consequence: missense variant.
Genome position (GRCh38, 1-based): chr10:84,195,544, A>G. VCF-style: chr10-84195544-A-G. GRCh37 (hg19) VCF-style: chr10-85955300-A-G.
Other names: c.106A>G, p.Asn36Asp (NM_001171971.3); c.106A>G (NM_033100.2); short protein forms N36D.
Identifiers: ClinVar variation 2175391 (VCV002175391.6), dbSNP rs200661366, ClinGen allele CA5579404.

ClinVar aggregate classification (germline): Uncertain significance. Review status: criteria provided, multiple submitters, no conflicts (2 of 4 stars). 3 submissions from 3 submitters: Uncertain significance (3). Last evaluated 2025-08-24.

Conditions:
Inborn genetic diseases. Identifiers: MedGen C0950123, MeSH D030342.

Allele frequency attached by ClinVar (database versions not stated): TOPMed 0.00001; ExAC 0.00004; gnomAD 0.00005; gnomAD exomes 0.00008; 1000 Genomes Project 30x 0.00016; 1000 Genomes Project 0.00020.
gnomAD v4.1: 125 of 1,614,170 alleles (0.0077%); highest among the groups gnomAD compares: East Asian, 0.28%; 1 homozygote.

Submissions (3):

Ambry Genetics
Classification: Uncertain significance for Inborn genetic diseases. Last evaluated: 2025-08-24. Review status: criteria provided, single submitter. Criteria: Ambry Variant Classification Scheme 2023. Collection method: clinical testing. Allele origin: germline.

Labcorp Genetics (formerly Invitae), Labcorp
Classification: Uncertain significance. Last evaluated: 2023-05-23. Review status: criteria provided, single submitter. Criteria: Invitae Variant Classification Sherloc (09022015). Collection method: clinical testing. Allele origin: germline.
Comment: In summary, the available evidence is currently insufficient to determine the role of this variant in disease. Therefore, it has been classified as a Variant of Uncertain Significance. Advanced modeling of protein sequence and biophysical properties (such as structural, functional, and spatial information, amino acid conservation, physicochemical variation, residue mobility, and thermodynamic stability) performed at Invitae indicates that this missense variant is not expected to disrupt CDHR1 protein function. ClinVar contains an entry for this variant (Variation ID: 2175391). This variant has not been reported in the literature in individuals affected with CDHR1-related conditions. This variant is present in population databases (rs200661366, gnomAD 0.06%). This sequence change replaces asparagine, which is neutral and polar, with aspartic acid, which is acidic and polar, at codon 36 of the CDHR1 protein (p.Asn36Asp).

Blueprint Genetics
Classification: Uncertain significance. Last evaluated: 2019-07-31. Review status: criteria provided, single submitter. Criteria: ACMG Guidelines, 2015. Collection method: clinical testing. Allele origin: germline.